The following is an entry in ClinVar:

NM_001848.3(COL6A1):c.355G>A (p.Ala119Thr)

Gene: COL6A1 (collagen type VI alpha 1 chain; plus strand). Cytogenetic location: 21q22.3.
Variant type: single nucleotide variant.
Coding change: c.355G>A on transcript NM_001848.3 (MANE Select); coding-DNA position 355, G replaced by A.
Protein change: p.Ala119Thr; replaces alanine 119 with threonine.
Molecular consequence: missense variant.
Genome position (GRCh38, 1-based): chr21:45,984,396, G>A. VCF-style: chr21-45984396-G-A. GRCh37 (hg19) VCF-style: chr21-47404310-G-A.
Other names: short protein forms A119T.
Identifiers: ClinVar variation 598491 (VCV000598491.14), dbSNP rs149392243, ClinGen allele CA10069544.

ClinVar aggregate classification (germline): Conflicting classifications of pathogenicity. Review status: criteria provided, conflicting classifications (1 of 4 stars). 4 submissions from 4 submitters: Uncertain significance (3); Likely benign (1). Last evaluated 2026-05-18.

Conditions:
Bethlem myopathy 1A. Also called: Bethlem Muscular Dystrophy; Bethlem myopathy 1; MYOPATHY, BENIGN CONGENITAL, WITH CONTRACTURES. Identifiers: Orphanet 610, MedGen CN029274, MONDO:0024530, OMIM 158810.

Allele frequency attached by ClinVar (database versions not stated): gnomAD exomes 0.00004 and 0.00006; ExAC 0.00008; gnomAD 0.00011; TOPMed 0.00011; ESP Exome Variant Server 0.00023.
gnomAD v4.1: 75 of 1,612,622 alleles (0.0047%); highest among the groups gnomAD compares: African/African-American, 0.012%; no homozygotes.

Submissions (4):

Women's Health and Genetics/Laboratory Corporation of America, LabCorp
Classification: Uncertain significance. Last evaluated: 2026-05-18. Review status: criteria provided, single submitter. Criteria: LabCorp Variant Classification Summary - May 2015. Collection method: clinical testing. Allele origin: germline.
Comment: Variant summary: COL6A1 c.355G>A (p.Ala119Thr) results in a non-conservative amino acid change in the encoded protein sequence. Algorithms developed to predict the effect of missense changes on protein structure and function are either unavailable or do not agree on the potential impact of this missense change. The variant allele was found at a frequency of 6e-05 in 249592 control chromosomes. This frequency is not significantly higher than estimated for disease-causing variants in COL6A1, allowing no conclusion about variant significance. To our knowledge, no occurrence of c.355G>A in individuals affected with COL6A1-related conditions and no experimental evidence demonstrating its impact on protein function have been reported. ClinVar contains an entry for this variant (Variation ID: 598491). Based on the evidence outlined above, the variant was classified as uncertain significance.

Labcorp Genetics (formerly Invitae), Labcorp
Classification: Likely benign for Bethlem myopathy 1A. Last evaluated: 2025-12-24. Review status: criteria provided, single submitter. Criteria: Invitae Variant Classification Sherloc (09022015). Collection method: clinical testing. Allele origin: germline.

Revvity Omics, Revvity
Classification: Uncertain significance. Last evaluated: 2019-12-12. Review status: criteria provided, single submitter. Criteria: ACMG Guidelines, 2015. Collection method: clinical testing. Allele origin: germline.

Eurofins Ntd Llc (ga)
Classification: Uncertain significance. Last evaluated: 2018-08-24. Review status: criteria provided, single submitter. Criteria: EGL ClinVar v180209 classification definitions. Collection method: clinical testing. Allele origin: germline. Observed: 1 variant allele, 1 heterozygote.